The following is an entry in ClinVar:

ClinVar aggregate classification (germline): Pathogenic. Review status: criteria provided, multiple submitters, no conflicts (2 of 4 stars). 2 submissions from 2 submitters: Pathogenic (2). Last evaluated 2026-04-22.

Submissions (2):

GeneDx
Classification: Pathogenic. Last evaluated: 2026-04-22. Review status: criteria provided, single submitter. Criteria: GeneDx Variant Classification Process June 2021. Collection method: clinical testing. Allele origin: germline.
Comment: Has not been previously published as pathogenic or benign to our knowledge; Frameshift variant predicted to result in protein truncation or nonsense mediated decay in a gene for which loss of function is a known mechanism of disease; Not observed at significant frequency in large population cohorts (gnomAD)

Labcorp Genetics (formerly Invitae), Labcorp
Classification: Pathogenic. Last evaluated: 2021-09-19. Review status: criteria provided, single submitter. Criteria: Invitae Variant Classification Sherloc (09022015). Collection method: clinical testing. Allele origin: germline.
Comment: This sequence change creates a premature translational stop signal (p.Asp31Ilefs*7) in the TANC2 gene. It is expected to result in an absent or disrupted protein product. Loss-of-function variants in TANC2 are known to be pathogenic (PMID: 31616000). This variant is present in population databases (rs755043110, ExAC 0.005%). This variant has not been reported in the literature in individuals affected with TANC2-related conditions. For these reasons, this variant has been classified as Pathogenic.

Literature cited by the submitters: PubMed 31616000 (cited by Labcorp Genetics (formerly Invitae), Labcorp).

NM_001394998.1(TANC2):c.91del (p.Asp31fs)

Gene: TANC2 (tetratricopeptide repeat, ankyrin repeat and coiled-coil containing 2; plus strand). Cytogenetic location: 17q23.2.
Variant type: Deletion.
Coding change: c.91del on transcript NM_001394998.1 (MANE Select); coding-DNA position 91, one base deleted (G; older notation c.91delG).
Protein change: p.Asp31fs; shifts the reading frame from aspartic acid 31.
Molecular consequence: frameshift variant.
Genome position (GRCh38, 1-based): chr17:63,073,966, G deleted; the last of 2 consecutive G bases (chr17:63,073,965-63,073,966); deleting either gives the same sequence. VCF-style (leftmost placement, unchanged base first): chr17-63073964-CG-C. GRCh37 (hg19) VCF-style: chr17-61151325-CG-C.
Other names: c.91del, p.Asp31fs (NM_025185.4); c.91del (NM_025185.3); short protein forms D31fs.
Identifiers: ClinVar variation 1385449 (VCV001385449.8), dbSNP rs755043110, ClinGen allele CA8697283.